The following is an entry in ClinVar:

NM_000929.3(PLA2G5):c.302C>T (p.Pro101Leu)

Gene: PLA2G5 (phospholipase A2 group V; plus strand). Cytogenetic location: 1p36.13.
Variant type: single nucleotide variant.
Coding change: c.302C>T on transcript NM_000929.3 (MANE Select); coding-DNA position 302, C replaced by T.
Protein change: p.Pro101Leu; replaces proline 101 with leucine.
Molecular consequence: missense variant.
Genome position (GRCh38, 1-based): chr1:20,090,577, C>T. VCF-style: chr1-20090577-C-T. GRCh37 (hg19) VCF-style: chr1-20417070-C-T.
Other names: short protein forms P101L.
Identifiers: ClinVar variation 1045734 (VCV001045734.8), dbSNP rs2016519905, ClinGen allele CA338822616.

ClinVar aggregate classification (germline): Uncertain significance (1 of 4 stars; one submission).

Allele frequency attached by ClinVar (database versions not stated): gnomAD exomes below 0.00001; gnomAD 0.00001.

Submission:

Labcorp Genetics (formerly Invitae), Labcorp
Classification: Uncertain significance. Last evaluated: 2020-06-27. Review status: criteria provided, single submitter. Criteria: Invitae Variant Classification Sherloc (09022015). Collection method: clinical testing. Allele origin: germline.
Comment: In summary, the available evidence is currently insufficient to determine the role of this variant in disease. Therefore, it has been classified as a Variant of Uncertain Significance. This variant has not been reported in the literature in individuals with PLA2G5-related conditions. Algorithms developed to predict the effect of missense changes on protein structure and function (SIFT, PolyPhen-2, Align-GVGD) all suggest that this variant is likely to be tolerated, but these predictions have not been confirmed by published functional studies and their clinical significance is uncertain. This sequence change replaces proline with leucine at codon 101 of the PLA2G5 protein (p.Pro101Leu). The proline residue is weakly conserved and there is a moderate physicochemical difference between proline and leucine. This variant is not present in population databases (ExAC no frequency).